The following is an entry in ClinVar:

ClinVar aggregate classification (germline): Pathogenic (1 of 4 stars; one submission).

Conditions:
Junctional epidermolysis bullosa. Identifiers: Orphanet 305, MedGen C0079301, MONDO:0017612.

Submission:

Myriad Genetics, Inc.
Classification: Pathogenic for Junctional epidermolysis bullosa. Last evaluated: 2024-11-13. Review status: criteria provided, single submitter. Criteria: Myriad Autosomal Dominant, Autosomal Recessive and X-Linked Classification Criteria (2023). Collection method: clinical testing. Allele origin: unknown.
Comment: NM_005562.2(LAMC2):c.496delT(C166Vfs*81) is expected to be pathogenic in the context of junctional epidermolysis bullosa, LAMC2-related. This variant is predicted to lead to an abnormal or absent protein product due to the creation of a premature termination codon in LAMC2, a gene where loss-of-function variants are known to be pathogenic. Please note: this variant was assessed in the context of healthy population screening.

NM_005562.3(LAMC2):c.496del (p.Cys166fs)

Gene: LAMC2 (laminin subunit gamma 2; plus strand). Cytogenetic location: 1q25.3.
Variant type: Deletion.
Coding change: c.496del on transcript NM_005562.3 (MANE Select); coding-DNA position 496, one base deleted (T; older notation c.496delT).
Protein change: p.Cys166fs; shifts the reading frame from cysteine 166.
Molecular consequence: frameshift variant.
Genome position (GRCh38, 1-based): chr1:183,218,481, T deleted. VCF-style (leftmost placement, unchanged base first): chr1-183218480-CT-C. GRCh37 (hg19) VCF-style: chr1-183187615-CT-C.
Other names: c.496del, p.Cys166fs (NM_018891.3); short protein forms C166fs.
Identifiers: ClinVar variation 5013751 (VCV005013751.1).